The following is an entry in ClinVar:

NM_000038.6(APC):c.1457A>G (p.Tyr486Cys)

Gene: APC (APC regulator of Wnt signaling pathway; plus strand). Cytogenetic location: 5q22.2.
Variant type: single nucleotide variant.
Coding change: c.1457A>G on transcript NM_000038.6 (MANE Select); coding-DNA position 1457, A replaced by G.
Protein change: p.Tyr486Cys; replaces tyrosine 486 with cysteine.
Molecular consequence: missense variant.
Genome position (GRCh38, 1-based): chr5:112,827,156, A>G. VCF-style: chr5-112827156-A-G. GRCh37 (hg19) VCF-style: chr5-112162853-A-G.
Other names: c.1457A>G, p.Tyr486Cys (NM_001127510.3, NM_001354895.2); c.1403A>G, p.Tyr468Cys (NM_001127511.3); c.1511A>G, p.Tyr504Cys (NM_001354896.2); c.1487A>G, p.Tyr496Cys (NM_001354897.2); c.1382A>G, p.Tyr461Cys (NM_001354898.2); c.1373A>G, p.Tyr458Cys (NM_001354899.2); c.1334A>G, p.Tyr445Cys (NM_001354900.2); c.1280A>G, p.Tyr427Cys (NM_001354901.2); and 5 more; short protein forms Y326C, Y385C, Y395C, Y468C, Y486C, Y496C, Y504C, Y203C.
Identifiers: ClinVar variation 819262 (VCV000819262.4), dbSNP rs1580564828, ClinGen allele CA16024497.

ClinVar aggregate classification (germline): Uncertain significance (1 of 4 stars; one submission).

Conditions:
Hereditary cancer-predisposing syndrome. Also called: Tumor predisposition; Hereditary neoplastic syndrome; Neoplastic Syndromes, Hereditary; Hereditary Cancer Syndrome. Identifiers: Orphanet 140162, MedGen C0027672, MeSH D009386, MONDO:0015356.

Allele frequency attached by ClinVar (database versions not stated): gnomAD exomes below 0.00001.
gnomAD v4.1: 1 of 1,613,758 alleles (0.000062%); highest among the groups gnomAD compares: South Asian, 0.0011%; no homozygotes.

Submission:

Ambry Genetics
Classification: Uncertain significance for Hereditary cancer-predisposing syndrome. Last evaluated: 2018-12-11. Review status: criteria provided, single submitter. Criteria: Ambry Variant Classification Scheme 2023. Collection method: clinical testing. Allele origin: germline.
Comment: The p.Y486C variant (also known as c.1457A>G), located in coding exon 11 of the APC gene, results from an A to G substitution at nucleotide position 1457. The tyrosine at codon 486 is replaced by cysteine, an amino acid with highly dissimilar properties. This amino acid position is not well conserved in available vertebrate species. In addition, in silico predictors for this gene do not accurately predict pathogenicity. Since supporting evidence is limited at this time, the clinical significance of this alteration remains unclear.